The following is an entry in ClinVar:

ClinVar aggregate classification (germline): Uncertain significance. Review status: criteria provided, multiple submitters, no conflicts (2 of 4 stars). 2 submissions from 2 submitters: Uncertain significance (2). Last evaluated 2025-08-14.

Conditions:
Malignant hyperthermia, susceptibility to, 1 (MHS1). Also called: RYR1-Related Malignant Hyperthermia Susceptibility; Malignant hyperthermia suceptibility 1; Anesthesia related hyperthermia; Malignant hyperpyrexia; Fulminating hyperpyrexia; Pharmacogenic myopathy. Identifiers: Orphanet 423, MedGen C2930980, MONDO:0007783, OMIM 145600.
RYR1-related disorder. Also called: RYR1-related condition; RYR1-related disorders. Identifiers: MedGen CN239331.

Allele frequency attached by ClinVar (database versions not stated): gnomAD 0.00001; gnomAD exomes 0.00001; TOPMed 0.00001.

Submissions (2):

Color Diagnostics, LLC DBA Color Health
Classification: Uncertain significance for Malignant hyperthermia, susceptibility to, 1. Last evaluated: 2025-08-14. Review status: criteria provided, single submitter. Criteria: ACMG Guidelines, 2015. Collection method: clinical testing. Allele origin: germline.
Comment: This missense variant replaces tyrosine with cysteine at codon 711 of the RYR1 protein. Computational prediction is inconclusive regarding the impact of this variant on protein structure and function. To our knowledge, functional studies have not been reported for this variant. This variant has not been reported in individuals affected with RYR1-related disorders in the literature. This variant has not been identified in the general population by the Genome Aggregation Database (gnomAD). The available evidence is insufficient to determine the role of this variant in disease conclusively. Therefore, this variant is classified as a Variant of Uncertain Significance.

Labcorp Genetics (formerly Invitae), Labcorp
Classification: Uncertain significance for RYR1-related disorder. Last evaluated: 2025-07-29. Review status: criteria provided, single submitter. Criteria: Invitae Variant Classification Sherloc (09022015). Collection method: clinical testing. Allele origin: germline.
Comment: This sequence change replaces tyrosine, which is neutral and polar, with cysteine, which is neutral and slightly polar, at codon 711 of the RYR1 protein (p.Tyr711Cys). This variant is not present in population databases (gnomAD no frequency). This variant has not been reported in the literature in individuals affected with RYR1-related conditions. ClinVar contains an entry for this variant (Variation ID: 1035366). Invitae Evidence Modeling of protein sequence and biophysical properties (such as structural, functional, and spatial information, amino acid conservation, physicochemical variation, residue mobility, and thermodynamic stability) indicates that this missense variant is not expected to disrupt RYR1 protein function with a negative predictive value of 80%. In summary, the available evidence is currently insufficient to determine the role of this variant in disease. Therefore, it has been classified as a Variant of Uncertain Significance.

NM_000540.3(RYR1):c.2132A>G (p.Tyr711Cys)

Gene: RYR1 (ryanodine receptor 1; plus strand). Cytogenetic location: 19q13.2.
Variant type: single nucleotide variant.
Coding change: c.2132A>G on transcript NM_000540.3 (MANE Select); coding-DNA position 2132, A replaced by G.
Protein change: p.Tyr711Cys; replaces tyrosine 711 with cysteine.
Molecular consequence: missense variant.
Genome position (GRCh38, 1-based): chr19:38,458,257, A>G. VCF-style: chr19-38458257-A-G. GRCh37 (hg19) VCF-style: chr19-38948897-A-G.
Other names: c.2132A>G, p.Tyr711Cys (NM_001042723.2); short protein forms Y711C.
Identifiers: ClinVar variation 1035366 (VCV001035366.8), dbSNP rs1967529389, ClinGen allele CA405697714.